The following is an entry in ClinVar:

NM_000361.3(THBD):c.*497G>A

Gene: THBD (thrombomodulin; minus strand). Cytogenetic location: 20p11.21.
Variant type: single nucleotide variant.
Coding change: c.*497G>A on transcript NM_000361.3 (MANE Select); 497 bases downstream of the stop codon, G replaced by A.
Molecular consequence: 3 prime UTR variant.
Genome position (GRCh38, 1-based): chr20:23,047,280, C>T on the plus strand (G>A on the coding strand, the complement: THBD is on the minus strand). VCF-style: chr20-23047280-C-T. GRCh37 (hg19) VCF-style: chr20-23027917-C-T.
Identifiers: ClinVar variation 337870 (VCV000337870.5), dbSNP rs3176122, ClinGen allele CA10643573.

ClinVar aggregate classification (germline): Benign (1 of 4 stars; one submission).

Conditions:
Atypical hemolytic-uremic syndrome with thrombomodulin anomaly. Also called: HEMOLYTIC UREMIC SYNDROME, ATYPICAL, SUSCEPTIBILITY TO, 6; AHUS, SUSCEPTIBILITY TO, 6. Identifiers: MedGen C2752036, MONDO:0013044, OMIM 612926. Disease mechanism: gain of function.

Allele frequency attached by ClinVar (database versions not stated): 1000 Genomes Project 30x 0.00593; gnomAD exomes 0.00246; gnomAD 0.00808 and 0.00769; 1000 Genomes Project 0.00639; TOPMed 0.00844.

Submission:

Illumina Laboratory Services, Illumina
Classification: Benign for Atypical hemolytic-uremic syndrome with thrombomodulin anomaly. Last evaluated: 2018-01-13. Review status: criteria provided, single submitter. Criteria: ICSL Variant Classification Criteria 13 December 2019. Collection method: clinical testing. Allele origin: germline.
Comment: This variant was observed in the ICSL laboratory as part of a predisposition screen in an ostensibly healthy population. It had not been previously curated by ICSL or reported in the Human Gene Mutation Database (HGMD: prior to June 1st, 2018), and was therefore a candidate for classification through an automated scoring system. Utilizing variant allele frequency, disease prevalence and penetrance estimates, and inheritance mode, an automated score was calculated to assess if this variant is too frequent to cause the disease. Based on the score and internal cut-off values, a variant classified as benign is not then subjected to further curation. The score for this variant resulted in a classification of benign for this disease.